The following is an entry in ClinVar:

ClinVar aggregate classification (germline): Conflicting classifications of pathogenicity. Review status: criteria provided, conflicting classifications (1 of 4 stars). 2 submissions from 2 submitters: Uncertain significance (1); Likely benign (1). Last evaluated 2025-06-17.

Allele frequency attached by ClinVar (database versions not stated): gnomAD exomes below 0.00001; ExAC 0.00001; gnomAD 0.00001; TOPMed 0.00002; ESP Exome Variant Server 0.00008.
gnomAD v4.1: 3 of 1,613,904 alleles (0.00019%); highest among the groups gnomAD compares: African/African-American, 0.004%; no homozygotes.

Submissions (2):

Labcorp Genetics (formerly Invitae), Labcorp
Classification: Likely benign. Last evaluated: 2025-06-17. Review status: criteria provided, single submitter. Criteria: Invitae Variant Classification Sherloc (09022015). Collection method: clinical testing. Allele origin: germline.

GeneDx
Classification: Uncertain significance. Last evaluated: 2022-12-12. Review status: criteria provided, single submitter. Criteria: GeneDx Variant Classification Process June 2021. Collection method: clinical testing. Allele origin: germline. Affected: yes.
Comment: Not observed at significant frequency in large population cohorts (gnomAD); In silico analysis supports that this missense variant has a deleterious effect on protein structure/function; Has not been previously published as pathogenic or benign to our knowledge

NM_006922.4(SCN3A):c.4121A>T (p.Asp1374Val)

Gene: SCN3A (sodium voltage-gated channel alpha subunit 3; minus strand). Cytogenetic location: 2q24.3.
Variant type: single nucleotide variant.
Coding change: c.4121A>T on transcript NM_006922.4 (MANE Select); coding-DNA position 4121, A replaced by T.
Protein change: p.Asp1374Val; replaces aspartic acid 1374 with valine.
Molecular consequence: missense variant.
Genome position (GRCh38, 1-based): chr2:165,097,370, T>A on the plus strand (A>T on the coding strand, the complement: SCN3A is on the minus strand). VCF-style: chr2-165097370-T-A. GRCh37 (hg19) VCF-style: chr2-165953880-T-A.
Other names: c.3974A>T, p.Asp1325Val (NM_001081676.2, NM_001081677.2); short protein forms D1325V, D1374V.
Identifiers: ClinVar variation 646578 (VCV000646578.11), dbSNP rs377507565, ClinGen allele CA1938644.